The following is an entry in ClinVar:

ClinVar aggregate classification (germline): Uncertain significance (1 of 4 stars; one submission).

Conditions:
Bethlem myopathy 2 (BTHLM2). Identifiers: Orphanet 536516, Orphanet 610, MedGen C4225313, MONDO:0034022, OMIM 616471.
Ullrich congenital muscular dystrophy 2 (UCMD2). Identifiers: Orphanet 75840, MedGen C4225314, MONDO:0014654, OMIM 616470.

Submission:

Labcorp Genetics (formerly Invitae), Labcorp
Classification: Uncertain significance for Bethlem myopathy 2; Ullrich congenital muscular dystrophy 2. Last evaluated: 2022-04-28. Review status: criteria provided, single submitter. Criteria: Invitae Variant Classification Sherloc (09022015). Collection method: clinical testing. Allele origin: germline.
Comment: In summary, the available evidence is currently insufficient to determine the role of this variant in disease. Therefore, it has been classified as a Variant of Uncertain Significance. This sequence change replaces valine, which is neutral and non-polar, with leucine, which is neutral and non-polar, at codon 1655 of the COL12A1 protein (p.Val1655Leu). This variant is not present in population databases (gnomAD no frequency). This variant has not been reported in the literature in individuals affected with COL12A1-related conditions. Algorithms developed to predict the effect of missense changes on protein structure and function are either unavailable or do not agree on the potential impact of this missense change (SIFT: "Deleterious"; PolyPhen-2: "Probably Damaging"; Align-GVGD: "Class C0").

NM_004370.6(COL12A1):c.4963G>T (p.Val1655Leu)

Gene: COL12A1 (collagen type XII alpha 1 chain; minus strand). Cytogenetic location: 6q13.
Variant type: single nucleotide variant.
Coding change: c.4963G>T on transcript NM_004370.6 (MANE Select); coding-DNA position 4963, G replaced by T.
Protein change: p.Val1655Leu; replaces valine 1655 with leucine.
Molecular consequence: missense variant.
Genome position (GRCh38, 1-based): chr6:75,138,956, C>A on the plus strand (G>T on the coding strand, the complement: COL12A1 is on the minus strand). VCF-style: chr6-75138956-C-A. GRCh37 (hg19) VCF-style: chr6-75848672-C-A.
Other names: c.1471G>T, p.Val491Leu (NM_080645.3); short protein forms V491L, V1655L.
Identifiers: ClinVar variation 2131333 (VCV002131333.4), dbSNP rs749368197, ClinGen allele CA364740098.